The following is an entry in ClinVar:

NM_002335.4(LRP5):c.3094G>T (p.Asp1032Tyr)

Gene: LRP5 (LDL receptor related protein 5; plus strand). Cytogenetic location: 11q13.2.
Variant type: single nucleotide variant.
Coding change: c.3094G>T on transcript NM_002335.4 (MANE Select); coding-DNA position 3094, G replaced by T.
Protein change: p.Asp1032Tyr; replaces aspartic acid 1032 with tyrosine.
Molecular consequence: missense variant.
Genome position (GRCh38, 1-based): chr11:68,423,555, G>T. VCF-style: chr11-68423555-G-T. GRCh37 (hg19) VCF-style: chr11-68191023-G-T.
Other names: c.1351G>T, p.Asp451Tyr (NM_001291902.2); short protein forms D1032Y, D451Y.
Identifiers: ClinVar variation 1373694 (VCV001373694.6), dbSNP rs750533610, ClinGen allele CA224278027.

ClinVar aggregate classification (germline): Uncertain significance (1 of 4 stars; one submission).

gnomAD v4.1: 1 of 1,614,184 alleles (0.000062%); highest among the groups gnomAD compares: Non-Finnish European, 0.000085%; no homozygotes.

Submission:

Labcorp Genetics (formerly Invitae), Labcorp
Classification: Uncertain significance. Last evaluated: 2022-09-12. Review status: criteria provided, single submitter. Criteria: Invitae Variant Classification Sherloc (09022015). Collection method: clinical testing. Allele origin: germline.
Comment: In summary, the available evidence is currently insufficient to determine the role of this variant in disease. Therefore, it has been classified as a Variant of Uncertain Significance. Advanced modeling of protein sequence and biophysical properties (such as structural, functional, and spatial information, amino acid conservation, physicochemical variation, residue mobility, and thermodynamic stability) performed at Invitae indicates that this missense variant is expected to disrupt LRP5 protein function. ClinVar contains an entry for this variant (Variation ID: 1373694). This variant has not been reported in the literature in individuals affected with LRP5-related conditions. This variant is not present in population databases (gnomAD no frequency). This sequence change replaces aspartic acid, which is acidic and polar, with tyrosine, which is neutral and polar, at codon 1032 of the LRP5 protein (p.Asp1032Tyr).